The following is an entry in ClinVar:

NM_175875.5(SIX5):c.213G>T (p.Gly71=)

Genes: DM1-AS (DM1 locus antisense RNA; plus strand), SIX5 (SIX homeobox 5; minus strand), LOC107075317 (origin of replication in DMPK trinucleotide repeat region; plus strand), LOC129929037 (ATAC-STARR-seq lymphoblastoid silent region 10794; plus strand). Cytogenetic location: 19q13.32.
Variant type: single nucleotide variant.
Coding change: c.213G>T on transcript NM_175875.5 (MANE Select); coding-DNA position 213, G replaced by T.
Protein change: p.Gly71=; no amino-acid change (glycine 71 retained).
Molecular consequence: synonymous variant.
Genome position (GRCh38, 1-based): chr19:45,768,632, C>A on the plus strand (G>T on the coding strand, the complement: SIX5 is on the minus strand). VCF-style: chr19-45768632-C-A. GRCh37 (hg19) VCF-style: chr19-46271890-C-A.
Identifiers: ClinVar variation 500193 (VCV000500193.19), dbSNP rs570333735, ClinGen allele CA9520867.
Genomic context (GRCh38, chr19:45,768,632, plus strand): 5'-CACCTGCTCGGGCGAGAAGCGGAGGCCCGTGGGCGGTTCGGAAGCGGCCTCGGGGGGCGA[C>A]CCGGGGACGCCCGGGGATCCCGGGCCCTCAGCTCCCGCAGCCGCTGCGCCCGCCCCGGCC-3'
Protein context (NP_787071.3, residues 61-81): AEGPGSPGVP[Gly71=]SPPEAASEPP

ClinVar aggregate classification (germline): Benign/Likely benign. Review status: criteria provided, multiple submitters, no conflicts (2 of 4 stars). 6 submissions from 6 submitters: Benign (4); Likely benign (1). 1 of the submissions does not count toward it. Last evaluated 2026-01-25.

Allele frequency attached by ClinVar (database versions not stated): 1000 Genomes Project 0.00539; 1000 Genomes Project 30x 0.00562; gnomAD 0.00587 and 0.00625; TOPMed 0.00605.

Submissions (6):

Labcorp Genetics (formerly Invitae), Labcorp
Classification: Benign. Last evaluated: 2026-01-25. Review status: criteria provided, single submitter. Criteria: Invitae Variant Classification Sherloc (09022015). Collection method: clinical testing. Allele origin: germline.

Blueprint Genetics
Classification: Likely benign. Last evaluated: 2024-11-26. Review status: criteria provided, single submitter. Criteria: ACMG Guidelines, 2015. Collection method: clinical testing. Allele origin: germline.

GeneDx
Classification: Benign. Last evaluated: 2019-10-21. Review status: criteria provided, single submitter. Criteria: GeneDx Variant Classification Process June 2021. Collection method: clinical testing. Allele origin: germline. Affected: yes.

Eurofins Ntd Llc (ga)
Classification: Benign. Last evaluated: 2017-02-21. Review status: criteria provided, single submitter. Criteria: EGL Classification Definitions 2015. Collection method: clinical testing. Allele origin: germline. Observed: 1 variant allele, 1 heterozygote.

Breakthrough Genomics
Classification: Benign. Review status: criteria provided, single submitter. Criteria: ACMG Guidelines, 2015. Collection method: not provided. Allele origin: germline. Inheritance: Unknown mechanism. Affected: yes.

Genetic Services Laboratory, University of Chicago
Classification: Benign. Last evaluated: 2022-07-20. Review status: no assertion criteria provided. Collection method: clinical testing. Allele origin: germline. Affected: no. Not counted in ClinVar's aggregate classification.